The following is an entry in ClinVar:

ClinVar aggregate classification (germline): Likely benign. Review status: criteria provided, multiple submitters, no conflicts (2 of 4 stars). 2 submissions from 2 submitters: Likely benign (2). Last evaluated 2026-01-02.

Conditions:
Frontotemporal dementia and/or amyotrophic lateral sclerosis 1 (FTDALS1). Also called: Frontotemporal dementia with motor neuron disease 1; C9orf72 Frontotemporal Dementia and/or Amyotrophic Lateral Sclerosis. Identifiers: Orphanet 275872, MedGen C5779877, MONDO:0007105, OMIM 105550.
Paget disease of bone 2, early-onset (PDB2). Also called: Paget disease of bone 2. Identifiers: MedGen C4085251, MONDO:0011183, OMIM 602080.

Allele frequency attached by ClinVar (database versions not stated): gnomAD 0.00001; gnomAD exomes 0.00003; TOPMed 0.00003; ExAC 0.00005; 1000 Genomes Project 30x 0.00016; 1000 Genomes Project 0.00020.
gnomAD v4.1: 25 of 1,614,130 alleles (0.0015%); highest among the groups gnomAD compares: Middle Eastern, 0.016%; no homozygotes.

Submissions (2):

Labcorp Genetics (formerly Invitae), Labcorp
Classification: Likely benign for Paget disease of bone 2, early-onset; Frontotemporal dementia and/or amyotrophic lateral sclerosis 1. Last evaluated: 2026-01-02. Review status: criteria provided, single submitter. Criteria: Invitae Variant Classification Sherloc (09022015). Collection method: clinical testing. Allele origin: germline.

Mayo Clinic Laboratories, Mayo Clinic
Classification: Likely benign. Last evaluated: 2025-10-19. Review status: criteria provided, single submitter. Criteria: ACMG Guidelines, 2015. Collection method: clinical testing. Allele origin: germline. Observed: 1 variant allele.
Comment: BP4, BP7

NM_003900.5(SQSTM1):c.1284G>T (p.Leu428=)

Gene: SQSTM1 (sequestosome 1; plus strand). Cytogenetic location: 5q35.3.
Variant type: single nucleotide variant.
Coding change: c.1284G>T on transcript NM_003900.5 (MANE Select); coding-DNA position 1284, G replaced by T.
Protein change: p.Leu428=; no amino-acid change (leucine 428 retained).
Molecular consequence: synonymous variant.
Genome position (GRCh38, 1-based): chr5:179,836,554, G>T. VCF-style: chr5-179836554-G-T. GRCh37 (hg19) VCF-style: chr5-179263554-G-T.
Other names: p.Leu428=; c.1032G>T, p.Leu344= (NM_001142298.2, NM_001142299.2).
Identifiers: ClinVar variation 1124544 (VCV001124544.10), dbSNP rs573881131, ClinGen allele CA3600880.
Genomic context (GRCh38, chr5:179,836,554, plus strand): 5'-TGAAGGCGGCTGGCTCACCAGGCTCCTGCAGACCAAGAACTATGACATCGGAGCGGCTCT[G>T]GACACCATCCAGTATTCAAAGCATCCCCCGCCGTTGTGACCACTTTTGCCCACCTCTTCT-3'
Protein context (NP_003891.1, residues 418-438): QTKNYDIGAA[Leu428=]DTIQYSKHPP